The following is an entry in ClinVar:

NM_194279.4(ISCA2):c.130G>C (p.Glu44Gln)

Gene: ISCA2 (iron-sulfur cluster assembly 2; plus strand). Cytogenetic location: 14q24.3.
Variant type: single nucleotide variant.
Coding change: c.130G>C on transcript NM_194279.4 (MANE Select); coding-DNA position 130, G replaced by C.
Protein change: p.Glu44Gln; replaces glutamic acid 44 with glutamine.
Molecular consequence: missense variant.
Genome position (GRCh38, 1-based): chr14:74,494,108, G>C. VCF-style: chr14-74494108-G-C. GRCh37 (hg19) VCF-style: chr14-74960811-G-C.
Other names: c.130G>C, p.Glu44Gln (NM_001272007.2); short protein forms E44Q.
Identifiers: ClinVar variation 386507 (VCV000386507.13), dbSNP rs201157942, ClinGen allele CA7268269.

ClinVar aggregate classification (germline): Conflicting classifications of pathogenicity. Review status: criteria provided, conflicting classifications (1 of 4 stars). 3 submissions from 3 submitters: Uncertain significance (1); Likely benign (2). Last evaluated 2025-04-14.

Allele frequency attached by ClinVar (database versions not stated): gnomAD 0.00010 and 0.00013; TOPMed 0.00010; ExAC 0.00068; 1000 Genomes Project 30x 0.00109; 1000 Genomes Project 0.00120.
gnomAD v4.1: 105 of 1,576,068 alleles (0.0067%); highest among the groups gnomAD compares: East Asian, 0.22%; no homozygotes.

Submissions (3):

Labcorp Genetics (formerly Invitae), Labcorp
Classification: Likely benign. Last evaluated: 2025-04-14. Review status: criteria provided, single submitter. Criteria: Invitae Variant Classification Sherloc (09022015). Collection method: clinical testing. Allele origin: germline.

GeneDx
Classification: Uncertain significance. Last evaluated: 2024-11-18. Review status: criteria provided, single submitter. Criteria: GeneDx Variant Classification Process June 2021. Collection method: clinical testing. Allele origin: germline. Affected: yes.
Comment: Has not been previously published as pathogenic or benign to our knowledge; In silico analysis supports that this missense variant has a deleterious effect on protein structure/function

Blueprint Genetics
Classification: Likely benign. Last evaluated: 2023-12-04. Review status: criteria provided, single submitter. Criteria: ACMG Guidelines, 2015. Collection method: clinical testing. Allele origin: germline.